The following is an entry in ClinVar:

ClinVar aggregate classification (germline): Likely pathogenic (1 of 4 stars; one submission).

Conditions:
Glutamate formiminotransferase deficiency. Also called: Arakawa syndrome 1; Formiminoglutamic aciduria. Identifiers: Orphanet 51208, MedGen C0268609, MONDO:0009240, OMIM 229100.

Allele frequency attached by ClinVar (database versions not stated): gnomAD exomes below 0.00001.
gnomAD v4.1: 1 of 1,612,396 alleles (0.000062%); highest among the groups gnomAD compares: Non-Finnish European, 0.000085%; no homozygotes.

Submission:

Labcorp Genetics (formerly Invitae), Labcorp
Classification: Likely pathogenic for Glutamate formiminotransferase deficiency. Last evaluated: 2022-07-05. Review status: criteria provided, single submitter. Criteria: Invitae Variant Classification Sherloc (09022015). Collection method: clinical testing. Allele origin: germline.
Comment: Algorithms developed to predict the effect of sequence changes on RNA splicing suggest that this variant may disrupt the consensus splice site. This sequence change affects an acceptor splice site in intron 10 of the FTCD gene. It is expected to disrupt RNA splicing. Variants that disrupt the donor or acceptor splice site typically lead to a loss of protein function (PMID: 16199547), and loss-of-function variants in FTCD are known to be pathogenic (PMID: 29178637, 29869163). This variant is not present in population databases (gnomAD no frequency). This variant has not been reported in the literature in individuals affected with FTCD-related conditions. In summary, the currently available evidence indicates that the variant is pathogenic, but additional data are needed to prove that conclusively. Therefore, this variant has been classified as Likely Pathogenic.

Literature cited by the submitters: PubMed 16199547; PubMed 29178637; PubMed 29869163.

NM_206965.2(FTCD):c.1261-1G>A

Gene: FTCD (formimidoyltransferase cyclodeaminase; minus strand). Cytogenetic location: 21q22.3.
Variant type: single nucleotide variant.
Coding change: c.1261-1G>A on transcript NM_206965.2 (MANE Select); the canonical splice acceptor site of the intron before coding-DNA position 1261, G replaced by A.
Molecular consequence: splice acceptor variant.
Genome position (GRCh38, 1-based): chr21:46,138,924, C>T on the plus strand (G>A on the coding strand, the complement: FTCD is on the minus strand). VCF-style: chr21-46138924-C-T. GRCh37 (hg19) VCF-style: chr21-47558838-C-T.
Other names: c.1261-1G>A (NM_001320412.2, NM_006657.3).
Identifiers: ClinVar variation 2792905 (VCV002792905.2), dbSNP rs2517047371, ClinGen allele CA410560375.